The following is an entry in ClinVar:

ClinVar aggregate classification (germline): Uncertain significance (1 of 4 stars; one submission).

Allele frequency attached by ClinVar (database versions not stated): gnomAD exomes below 0.00001; ExAC 0.00002.
gnomAD v4.1: 1 of 1,596,304 alleles (0.000063%); highest among the groups gnomAD compares: Non-Finnish European, 0.000085%; no homozygotes.

Submission:

Labcorp Genetics (formerly Invitae), Labcorp
Classification: Uncertain significance. Last evaluated: 2022-04-17. Review status: criteria provided, single submitter. Criteria: Invitae Variant Classification Sherloc (09022015). Collection method: clinical testing. Allele origin: germline.
Comment: This sequence change replaces proline, which is neutral and non-polar, with histidine, which is basic and polar, at codon 414 of the USH1C protein (p.Pro414His). The frequency data for this variant in the population databases is considered unreliable, as metrics indicate poor data quality at this position in the gnomAD database. This variant has not been reported in the literature in individuals affected with USH1C-related conditions. Algorithms developed to predict the effect of missense changes on protein structure and function are either unavailable or do not agree on the potential impact of this missense change (SIFT: "Deleterious"; PolyPhen-2: "Benign"; Align-GVGD: "Class C0"). In summary, the available evidence is currently insufficient to determine the role of this variant in disease. Therefore, it has been classified as a Variant of Uncertain Significance.

NM_005709.4(USH1C):c.1241C>A (p.Pro414His)

Gene: USH1C (USH1 protein network component harmonin; minus strand). Cytogenetic location: 11p15.1.
Variant type: single nucleotide variant.
Coding change: c.1241C>A on transcript NM_005709.4 (MANE Plus Clinical); coding-DNA position 1241, C replaced by A.
Protein change: p.Pro414His; replaces proline 414 with histidine.
Molecular consequence: missense variant. On other transcripts: intron variant (1).
Genome position (GRCh38, 1-based): chr11:17,517,444, G>T on the plus strand (C>A on the coding strand, the complement: USH1C is on the minus strand). VCF-style: chr11-17517444-G-T. GRCh37 (hg19) VCF-style: chr11-17538991-G-T.
Other names: c.1184C>A, p.Pro395His (NM_001297764.2); c.1211-1154C>A (NM_153676.4); short protein forms P395H, P414H.
Identifiers: ClinVar variation 2140907 (VCV002140907.1), dbSNP rs767006857, ClinGen allele CA5904669.